The following is an entry in ClinVar:

NM_001267550.2(TTN):c.57847+19del

Genes: TTN (titin; minus strand), TTN-AS1 (TTN antisense RNA 1; plus strand). Cytogenetic location: 2q31.2.
Variant type: Deletion.
Coding change: c.57847+19del on transcript NM_001267550.2 (MANE Select); 19 bases into the intron after coding-DNA position 57847, one base deleted (A; older notation c.57847+19delA).
Molecular consequence: intron variant.
Genome position (GRCh38, 1-based): chr2:178,595,488, T deleted on the plus strand (A on the coding strand, the reverse complement: TTN is on the minus strand); the first of 13 consecutive T bases (chr2:178,595,488-178,595,500); deleting any one gives the same sequence. VCF-style (leftmost placement, unchanged base first): chr2-178595487-AT-A. GRCh37 (hg19) VCF-style: chr2-179460214-AT-A.
Other names: c.50143+19delA (NM_133378.4); c.52924+19delA (NM_001256850.1); c.30652+19del (NM_003319.4); c.31228+19del (NM_133437.4); c.31027+19del (NM_133432.3); c.50143+19del (NM_133378.4); c.52924+19del (NM_001256850.1); c.30652+19delA (NM_003319.4).
Identifiers: ClinVar variation 418528 (VCV000418528.21), dbSNP rs111496283, ClinGen allele CA1992986.
Genomic context (GRCh38, chr2:178,595,487, plus strand): 5'-ATACACATATTTTTTCACCATAGTCTTGTACTAAATGAGTAAAGAAGTGATTAAGTATAC[AT>A]TTTTTTTTTTTTACTTACTTATTGGCTCTCTGATAACAAGTGCCTCTGATGTCTCAACAA-3'

ClinVar aggregate classification (germline): Benign/Likely benign. Review status: criteria provided, multiple submitters, no conflicts (2 of 4 stars). 16 submissions from 13 submitters: Benign (8); Likely benign (2). 6 of the submissions do not count toward it. Last evaluated 2026-02-03.

Conditions:
Autosomal recessive limb-girdle muscular dystrophy type 2J (LGMDR10). Also called: Limb-girdle muscular dystrophy, type 2J; MUSCULAR DYSTROPHY, LIMB-GIRDLE, AUTOSOMAL RECESSIVE 10. Identifiers: Orphanet 140922, MedGen C1837342, MONDO:0012127, OMIM 608807.
Dilated cardiomyopathy 1G (CMD1G). Identifiers: Orphanet 154, MedGen C1858763, MONDO:0011400, OMIM 604145.
Cardiovascular phenotype. Identifiers: MedGen CN230736.
Early-onset myopathy with fatal cardiomyopathy (CMYO5). Also called: Salih Myopathy; CONGENITAL MYOPATHY 5 WITH CARDIOMYOPATHY. Identifiers: Orphanet 289377, MedGen C2673677, MONDO:0012714, OMIM 611705. Disease mechanism: loss of function.
Tibial muscular dystrophy (TMD). Also called: Udd Distal Myopathy – Tibial Muscular Dystrophy; UDD MYOPATHY; Tibial muscular dystrophy, tardive. Identifiers: Orphanet 609, MedGen C1838244, MONDO:0010870, OMIM 600334.
Myopathy, myofibrillar, 9, with early respiratory failure (MFM9). Also called: MYOPATHY, PROXIMAL, WITH EARLY RESPIRATORY MUSCLE INVOLVEMENT; Hereditary myopathy with early respiratory failure; EDSTROM MYOPATHY; Myopathy, distal, with early respiratory failure, autosomal dominant. Identifiers: Orphanet 178464, Orphanet 34521, MedGen C1863599, MONDO:0011362, OMIM 603689.
Cardiomyopathy (CMYO). Also called: Cardiomyopathies. Identifiers: Orphanet 167848, MedGen C0878544, MONDO:0004994, HP:0001638. Inheritance: Various modes of inheritance.
Hypertrophic cardiomyopathy 2. Also called: TNNT2-Related Familial Hypertrophic Cardiomyopathy. Identifiers: MedGen C1861864, MONDO:0007266, OMIM 115195.

Submissions (16):

Labcorp Genetics (formerly Invitae), Labcorp
Classification: Benign for Dilated cardiomyopathy 1G; Autosomal recessive limb-girdle muscular dystrophy type 2J. Last evaluated: 2026-02-03. Review status: criteria provided, single submitter. Criteria: Invitae Variant Classification Sherloc (09022015). Collection method: clinical testing. Allele origin: germline.

Blueprint Genetics
Classification: Likely benign. Last evaluated: 2024-11-26. Review status: criteria provided, single submitter. Criteria: ACMG Guidelines, 2015. Collection method: clinical testing. Allele origin: germline.

Genome-Nilou Lab
Classification: Benign for Autosomal recessive limb-girdle muscular dystrophy type 2J. Last evaluated: 2021-09-10. Review status: criteria provided, single submitter. Criteria: ACMG Guidelines, 2015. Collection method: clinical testing. Allele origin: germline. Affected: no.

Genome-Nilou Lab
Classification: Benign for Myopathy, myofibrillar, 9, with early respiratory failure. Last evaluated: 2021-09-10. Review status: criteria provided, single submitter. Criteria: ACMG Guidelines, 2015. Collection method: clinical testing. Allele origin: germline. Affected: no.

Genome-Nilou Lab
Classification: Benign for Early-onset myopathy with fatal cardiomyopathy. Last evaluated: 2021-09-10. Review status: criteria provided, single submitter. Criteria: ACMG Guidelines, 2015. Collection method: clinical testing. Allele origin: germline. Affected: no.

Genome-Nilou Lab
Classification: Benign for Tibial muscular dystrophy. Last evaluated: 2021-09-10. Review status: criteria provided, single submitter. Criteria: ACMG Guidelines, 2015. Collection method: clinical testing. Allele origin: germline. Affected: no.

CHEO Genetics Diagnostic Laboratory, Children's Hospital of Eastern Ontario
Classification: Benign for Cardiomyopathy. Last evaluated: 2021-01-29. Review status: criteria provided, single submitter. Criteria: ACMG Guidelines, 2015. Collection method: clinical testing. Allele origin: germline.

Women's Health and Genetics/Laboratory Corporation of America, LabCorp
Classification: Benign. Last evaluated: 2020-01-25. Review status: criteria provided, single submitter. Criteria: LabCorp Variant Classification Summary - May 2015. Collection method: clinical testing. Allele origin: germline.

GeneDx
Classification: Benign. Last evaluated: 2016-10-04. Review status: criteria provided, single submitter. Criteria: GeneDx Variant Classification (06012015). Collection method: clinical testing. Allele origin: germline. Affected: yes.
Comment: This variant is considered likely benign or benign based on one or more of the following criteria: it is a conservative change, it occurs at a poorly conserved position in the protein, it is predicted to be benign by multiple in silico algorithms, and/or has population frequency not consistent with disease.

Ambry Genetics
Classification: Likely benign for Cardiovascular phenotype. Last evaluated: 2015-11-16. Review status: criteria provided, single submitter. Criteria: Ambry Variant Classification Scheme 2023. Collection method: clinical testing. Allele origin: germline.

Clinical Genetics DNA and cytogenetics Diagnostics Lab, Erasmus MC, Erasmus Medical Center
Classification: Benign. Review status: no assertion criteria provided. Collection method: clinical testing. Allele origin: germline. Affected: yes. Study: VKGL Data-share Consensus. Not counted in ClinVar's aggregate classification.

Clinical Genetics, Academic Medical Center
Classification: Benign. Review status: no assertion criteria provided. Collection method: clinical testing. Allele origin: germline. Affected: yes. Study: VKGL Data-share Consensus. Not counted in ClinVar's aggregate classification.

Diagnostic Laboratory, Department of Genetics, University Medical Center Groningen
Classification: Likely benign. Review status: no assertion criteria provided. Collection method: clinical testing. Allele origin: germline. Affected: yes. Study: VKGL Data-share Consensus. Not counted in ClinVar's aggregate classification.

Institute of Human Genetics, University of Wuerzburg
No classification provided. Condition: Hypertrophic cardiomyopathy 2. Review status: no classification provided. Collection method: clinical testing. Allele origin: unknown. Affected: yes. Observed: 1 variant allele. Not counted in ClinVar's aggregate classification.

Joint Genome Diagnostic Labs from Nijmegen and Maastricht, Radboudumc and MUMC+
Classification: Benign. Review status: no assertion criteria provided. Collection method: clinical testing. Allele origin: germline. Affected: yes. Study: VKGL Data-share Consensus. Not counted in ClinVar's aggregate classification.

Laboratory of Diagnostic Genome Analysis, Leiden University Medical Center (LUMC)
Classification: Likely benign. Review status: no assertion criteria provided. Collection method: clinical testing. Allele origin: germline. Affected: yes. Study: VKGL Data-share Consensus. Not counted in ClinVar's aggregate classification.